The following is an entry in ClinVar:

ClinVar aggregate classification (germline): Likely pathogenic (1 of 4 stars; one submission).

Conditions:
Hereditary xanthinuria type 1 (XAN1). Identifiers: Orphanet 3467, Orphanet 93601, MedGen C0268118, MONDO:0010209, OMIM 278300.

Submission:

University of Washington Department of Laboratory Medicine, University of Washington
Classification: Likely pathogenic for Hereditary xanthinuria type 1. Last evaluated: 2023-02-07. Review status: criteria provided, single submitter. Criteria: ACMG Guidelines, 2015. Collection method: clinical testing. Allele origin: unknown. Affected: yes.
Comment: The p.Thr1059Profs*41 variant in the XDH gene has not been previously reported in association with disease and was absent from large population databases, including the Genome Aggregation Database. The p.Thr1059Profs*41 variant results in a 1bp deletion in exon 29 of 36 exons, which causes a shift in the protein reading frame, leading to a premature termination codon 41 amino acids downstream. Nonsense-mediated decay resulting in a truncated or absent protein is predicted with this variant. These predictions have not been tested directly. Using ACMG guidelines, this variant was classified as likely pathogenic for autosomal recessive xanthinuria (ACMG evidence codes used: PVS1, PM2_supporting).

NM_000379.4(XDH):c.3174del (p.Thr1059fs)

Gene: XDH (xanthine dehydrogenase; minus strand). Cytogenetic location: 2p23.1.
Variant type: Deletion.
Coding change: c.3174del on transcript NM_000379.4 (MANE Select); coding-DNA position 3174, one base deleted (C; older notation c.3174delC).
Protein change: p.Thr1059fs; shifts the reading frame from threonine 1059.
Molecular consequence: frameshift variant.
Genome position (GRCh38, 1-based): chr2:31,347,624, G deleted on the plus strand (C on the coding strand, the reverse complement: XDH is on the minus strand); the first of 4 consecutive G bases (chr2:31,347,624-31,347,627); deleting any one gives the same sequence. VCF-style (leftmost placement, unchanged base first): chr2-31347623-TG-T. GRCh37 (hg19) VCF-style: chr2-31570489-TG-T.
Other names: c.3174del (NM_000379.3); short protein forms T1059fs.
Identifiers: ClinVar variation 3777124 (VCV003777124.1).